The following is an entry in ClinVar:

ClinVar aggregate classification (germline): Uncertain significance. Review status: criteria provided, multiple submitters, no conflicts (2 of 4 stars). 2 submissions from 2 submitters: Uncertain significance (2). Last evaluated 2025-08-27.

Conditions:
Inborn genetic diseases. Identifiers: MedGen C0950123, MeSH D030342.

gnomAD v4.1: 10 of 1,613,670 alleles (0.00062%); highest among the groups gnomAD compares: Non-Finnish European, 0.00076%; no homozygotes.

Submissions (2):

Ambry Genetics
Classification: Uncertain significance for Inborn genetic diseases. Last evaluated: 2025-08-27. Review status: criteria provided, single submitter. Criteria: Ambry Variant Classification Scheme 2023. Collection method: clinical testing. Allele origin: germline.

Labcorp Genetics (formerly Invitae), Labcorp
Classification: Uncertain significance. Last evaluated: 2022-07-25. Review status: criteria provided, single submitter. Criteria: Invitae Variant Classification Sherloc (09022015). Collection method: clinical testing. Allele origin: germline.
Comment: This sequence change replaces alanine, which is neutral and non-polar, with valine, which is neutral and non-polar, at codon 1783 of the FAT4 protein (p.Ala1783Val). This variant is present in population databases (rs772029592, gnomAD 0.003%). This variant has not been reported in the literature in individuals affected with FAT4-related conditions. Advanced modeling of protein sequence and biophysical properties (such as structural, functional, and spatial information, amino acid conservation, physicochemical variation, residue mobility, and thermodynamic stability) performed at Invitae indicates that this missense variant is not expected to disrupt FAT4 protein function. In summary, the available evidence is currently insufficient to determine the role of this variant in disease. Therefore, it has been classified as a Variant of Uncertain Significance.

NM_001291303.3(FAT4):c.5348C>T (p.Ala1783Val)

Gene: FAT4 (FAT atypical cadherin 4; plus strand). Cytogenetic location: 4q28.1.
Variant type: single nucleotide variant.
Coding change: c.5348C>T on transcript NM_001291303.3 (MANE Select); coding-DNA position 5348, C replaced by T.
Protein change: p.Ala1783Val; replaces alanine 1783 with valine.
Molecular consequence: missense variant.
Genome position (GRCh38, 1-based): chr4:125,406,920, C>T. VCF-style: chr4-125406920-C-T. GRCh37 (hg19) VCF-style: chr4-126328075-C-T.
Other names: c.5348C>T (NM_024582.4); c.5348C>T, p.Ala1783Val (NM_001291285.3, NM_024582.6); short protein forms A1783V.
Identifiers: ClinVar variation 2418414 (VCV002418414.4), dbSNP rs772029592, ClinGen allele CA3072695.